The following is an entry in ClinVar:

NM_001034853.2(RPGR):c.2810_2812del (p.Gly937del)

Gene: RPGR (retinitis pigmentosa GTPase regulator; minus strand). Cytogenetic location: Xp11.4.
Variant type: Deletion.
Coding change: c.2810_2812del on transcript NM_001034853.2 (MANE Select); coding-DNA positions 2810 to 2812, 3 bases deleted (GAG; older notation c.2810_2812delGAG).
Protein change: p.Gly937del; deletes glycine 937.
Molecular consequence: inframe deletion. On other transcripts: intron variant (8).
Genome position (GRCh38, 1-based): chrX:38,286,187-38,286,189, CTC deleted on the plus strand (GAG on the coding strand, the reverse complement: RPGR is on the minus strand); deleting any 3 consecutive bases within chrX:38,286,187-38,286,191 gives the same sequence; the c. name uses the placement nearest the transcript's 3' end. VCF-style (leftmost placement, unchanged base first): chrX-38286186-TCTC-T. GRCh37 (hg19) VCF-style: chrX-38145439-TCTC-T.
Other names: c.1569+4770_1569+4772del (NM_001367249.1, NM_001367250.1); c.1902+905_1902+907del (NM_001367245.1); c.1386+4770_1386+4772del (NM_001367251.1); c.1719+905_1719+907del (NM_001367246.1); c.1572+4770_1572+4772del (NM_001367247.1); c.1905+905_1905+907del (NM_000328.3); c.1602+4770_1602+4772del (NM_001367248.1); short protein forms G937del.
Identifiers: ClinVar variation 2633741 (VCV002633741.4), dbSNP rs1481243862, ClinGen allele CA875125195.

ClinVar aggregate classification (germline): Uncertain significance. Review status: criteria provided, multiple submitters, no conflicts (2 of 4 stars). 2 submissions from 2 submitters: Uncertain significance (2). Last evaluated 2025-09-10.

Conditions:
RPGR-related disorder. Also called: RPGR-related condition.
Primary ciliary dyskinesia. Also called: Ciliary dyskinesia. Identifiers: Orphanet 244, MedGen C0008780, MONDO:0016575, HP:0012265.

Submissions (2):

Labcorp Genetics (formerly Invitae), Labcorp
Classification: Uncertain significance for Primary ciliary dyskinesia. Last evaluated: 2025-09-10. Review status: criteria provided, single submitter. Criteria: Invitae Variant Classification Sherloc (09022015). Collection method: clinical testing. Allele origin: germline.
Comment: This variant, c.2810_2812del, results in the deletion of 1 amino acid(s) of the RPGR (ORF15) protein (p.Gly937del), but otherwise preserves the integrity of the reading frame. The frequency data for this variant in the population databases is considered unreliable, as metrics indicate insufficient coverage at this position in the gnomAD database. This variant has not been reported in the literature in individuals affected with RPGR (ORF15)-related conditions. ClinVar contains an entry for this variant (Variation ID: 2633741). Experimental studies and prediction algorithms are not available or were not evaluated, and the functional significance of this variant is currently unknown. In summary, the available evidence is currently insufficient to determine the role of this variant in disease. Therefore, it has been classified as a Variant of Uncertain Significance.

PreventionGenetics, part of Exact Sciences
Classification: Uncertain significance for RPGR-related condition. Last evaluated: 2023-03-08. Review status: criteria provided, single submitter. Criteria: ACMG Guidelines, 2015. Collection method: clinical testing. Allele origin: germline.
Comment: The RPGR c.2810_2812delGAG variant is predicted to result in an in-frame deletion (p.Gly937del). To our knowledge, this variant has not been reported in the literature or in a large population database, indicating this variant is rare. At this time, the clinical significance of this variant is uncertain due to the absence of conclusive functional and genetic evidence.